The following is an entry in ClinVar:

NM_001270974.2(HYDIN):c.7039C>T (p.Gln2347Ter)

Gene: HYDIN (HYDIN axonemal central pair apparatus protein; minus strand). Cytogenetic location: 16q22.2.
Variant type: single nucleotide variant.
Coding change: c.7039C>T on transcript NM_001270974.2 (MANE Select); coding-DNA position 7039, C replaced by T.
Protein change: p.Gln2347Ter; replaces glutamine 2347 with a stop codon.
Molecular consequence: nonsense.
Genome position (GRCh38, 1-based): chr16:70,936,071, G>A on the plus strand (C>T on the coding strand, the complement: HYDIN is on the minus strand). VCF-style: chr16-70936071-G-A. GRCh37 (hg19) VCF-style: chr16-70969974-G-A.
Other names: short protein forms Q2347*.
Identifiers: ClinVar variation 5005631 (VCV005005631.2).

ClinVar aggregate classification (germline): Likely pathogenic (1 of 4 stars; one submission).

Conditions:
Primary ciliary dyskinesia 5. Also called: CILIARY DYSKINESIA, PRIMARY, 5, WITHOUT SITUS INVERSUS. Identifiers: Orphanet 244, MedGen C1837615, MONDO:0012088, OMIM 608647.

Submission:

Juno Genomics, Hangzhou Juno Genomics, Inc
Classification: Likely pathogenic for Primary ciliary dyskinesia 5. Review status: criteria provided, single submitter. Criteria: ACMG Guidelines, 2015. Collection method: clinical testing. Allele origin: germline.
Comment: Null variant in a gene where loss of function (LOF) is a known mechanism of disease.;Absent from controls (or at extremely low frequency if recessive) in Genome Aggregation Database.